The following is an entry in ClinVar:

NM_005633.4(SOS1):c.*2160C>T

Gene: SOS1 (SOS Ras/Rac guanine nucleotide exchange factor 1; minus strand). Cytogenetic location: 2p22.1.
Variant type: single nucleotide variant.
Coding change: c.*2160C>T on transcript NM_005633.4 (MANE Select); 2160 bases downstream of the stop codon, C replaced by T.
Molecular consequence: 3 prime UTR variant.
Genome position (GRCh38, 1-based): chr2:38,983,664, G>A on the plus strand (C>T on the coding strand, the complement: SOS1 is on the minus strand). VCF-style: chr2-38983664-G-A. GRCh37 (hg19) VCF-style: chr2-39210805-G-A.
Other names: c.*2160C>T (NM_001382394.1, NM_001382395.1).
Identifiers: ClinVar variation 895654 (VCV000895654.4), dbSNP rs116651056, ClinGen allele CA45671733.
Genomic context (GRCh38, chr2:38,983,664, plus strand): 5'-AGACATACTGAAGGGGGTCCAATGTGACTTTTACCAGGTTCTCATTTGGAATGTGCCTGG[G>A]GCAATTAAAAAGAGAAGTAATCCATGAGACATAAAAAGAGAAATCTTAGGGACAATGAGG-3'

ClinVar aggregate classification (germline): Benign/Likely benign. Review status: criteria provided, single submitter (1 of 4 stars). 2 submissions from 1 submitter: Benign (1); Likely benign (1). Last evaluated 2018-01-12.

Conditions:
Noonan syndrome 4 (NS4). Also called: NOONAN SYNDROME WITH PIGMENTED VILLONODULAR SYNOVITIS; SOS1-Related Noonan Syndrome. Identifiers: Orphanet 648, MedGen C1853120, MONDO:0012547, OMIM 610733.
Fibromatosis, gingival, 1 (GINGF1). Identifiers: Orphanet 2024, MedGen C4551558, MONDO:0007609, OMIM 135300.

Allele frequency attached by ClinVar (database versions not stated): gnomAD 0.00257 and 0.00276; 1000 Genomes Project 0.00280; TOPMed 0.00307; 1000 Genomes Project 30x 0.00375.

Submissions (2):

Illumina Laboratory Services, Illumina
Classification: Likely benign for Noonan syndrome 4. Last evaluated: 2018-01-12. Review status: criteria provided, single submitter. Criteria: ICSL Variant Classification Criteria 13 December 2019. Collection method: clinical testing. Allele origin: germline.
Comment: This variant was observed in the ICSL laboratory as part of a predisposition screen in an ostensibly healthy population. It had not been previously curated by ICSL or reported in the Human Gene Mutation Database (HGMD: prior to June 1st, 2018), and was therefore a candidate for classification through an automated scoring system. Utilizing variant allele frequency, disease prevalence and penetrance estimates, and inheritance mode, an automated score was calculated to assess if this variant is too frequent to cause the disease. Based on the score and internal cut-off values, a variant classified as likely benign is not then subjected to further curation. The score for this variant resulted in a classification of likely benign for this disease.

Illumina Laboratory Services, Illumina
Classification: Benign for Fibromatosis, gingival, 1. Last evaluated: 2018-01-12. Review status: criteria provided, single submitter. Criteria: ICSL Variant Classification Criteria 13 December 2019. Collection method: clinical testing. Allele origin: germline.
Comment: This variant was observed in the ICSL laboratory as part of a predisposition screen in an ostensibly healthy population. It had not been previously curated by ICSL or reported in the Human Gene Mutation Database (HGMD: prior to June 1st, 2018), and was therefore a candidate for classification through an automated scoring system. Utilizing variant allele frequency, disease prevalence and penetrance estimates, and inheritance mode, an automated score was calculated to assess if this variant is too frequent to cause the disease. Based on the score and internal cut-off values, a variant classified as benign is not then subjected to further curation. The score for this variant resulted in a classification of benign for this disease.